The following is an entry in ClinVar:

NC_000004.11:g.(?_15511794)_(15573510_?)del

Gene: CC2D2A (coiled-coil and C2 domain containing 2A; plus strand). Cytogenetic location: 4p15.32.
Variant type: Deletion.
Identifiers: ClinVar variation 3246619 (VCV003246619.1).

ClinVar aggregate classification (germline): Pathogenic (1 of 4 stars; one submission).

Conditions:
Joubert syndrome. Also called: CEREBELLOPARENCHYMAL DISORDER IV; JOUBERT-BOLTSHAUSER SYNDROME; Familial aplasia of the vermis. Identifiers: Orphanet 475, MedGen C5979921, MONDO:0018772.
Meckel-Gruber syndrome. Also called: DYSENCEPHALIA SPLANCHNOCYSTICA; GRUBER SYNDROME; Dysencephalia splachnocystica. Identifiers: Orphanet 564, MedGen C0265215, MONDO:0018921.

Submission:

Labcorp Genetics (formerly Invitae), Labcorp
Classification: Pathogenic for Joubert syndrome; Meckel-Gruber syndrome. Last evaluated: 2023-12-11. Review status: criteria provided, single submitter. Criteria: Invitae Variant Classification Sherloc (09022015). Collection method: clinical testing. Allele origin: unknown.
Comment: This variant results in the deletion of exons 9-29 and part of exon 8 (c.471_3594+1391delinsG) of the CC2D2A gene. It is expected to disrupt RNA splicing. Variants that disrupt the donor or acceptor splice site typically lead to a loss of protein function (PMID: 16199547), and loss-of-function variants in CC2D2A are known to be pathogenic (PMID: 19777577). This variant has not been reported in the literature in individuals affected with CC2D2A-related conditions. This variant disrupts a region of the CC2D2A protein in which other variant(s) (p.Leu559) have been determined to be pathogenic (PMID: 21068128). This suggests that this is a clinically significant region of the protein, and that variants that disrupt it are likely to be disease-causing. For these reasons, this variant has been classified as Pathogenic.

Literature cited by the submitters: PubMed 16199547; PubMed 19777577; PubMed 21068128.